The following is an entry in ClinVar:

ClinVar aggregate classification (germline): Uncertain significance (1 of 4 stars; one submission).

Conditions:
Aortic valve disease 2 (AOVD2). Identifiers: MedGen C3542024, MONDO:0013902, OMIM 614823.

Submission:

Labcorp Genetics (formerly Invitae), Labcorp
Classification: Uncertain significance for Aortic valve disease 2. Last evaluated: 2023-11-04. Review status: criteria provided, single submitter. Criteria: Invitae Variant Classification Sherloc (09022015). Collection method: clinical testing. Allele origin: germline.
Comment: This variant, c.79_84dup, results in the insertion of 2 amino acid(s) of the SMAD6 protein (p.Ser27_Gly28dup), but otherwise preserves the integrity of the reading frame. This variant is not present in population databases (gnomAD no frequency). This variant has not been reported in the literature in individuals affected with SMAD6-related conditions. Experimental studies and prediction algorithms are not available or were not evaluated, and the functional significance of this variant is currently unknown. In summary, the available evidence is currently insufficient to determine the role of this variant in disease. Therefore, it has been classified as a Variant of Uncertain Significance.

NM_005585.5(SMAD6):c.79_84dup (p.Gly28_Gly29insSerGly)

Gene: SMAD6 (SMAD family member 6; plus strand). Cytogenetic location: 15q22.31.
Variant type: Duplication.
Coding change: c.79_84dup on transcript NM_005585.5 (MANE Select); coding-DNA positions 79 to 84, 6 bases duplicated (AGCGGC; older notation c.79_84dupAGCGGC).
Protein change: p.Gly28_Gly29insSerGly.
Molecular consequence: inframe insertion. On other transcripts: non-coding transcript variant (1).
Genome position (GRCh38, 1-based): chr15:66,703,337-66,703,342, AGCGGC duplicated; duplicating any 6 consecutive bases within chr15:66,703,332-66,703,342 gives the same sequence; the c. name uses the placement nearest the transcript's 3' end. VCF-style (leftmost placement, unchanged base first): chr15-66703331-G-GGCGGCA. GRCh37 (hg19) VCF-style: chr15-66995669-G-GGCGGCA.
Identifiers: ClinVar variation 2791202 (VCV002791202.3), dbSNP rs769605183, ClinGen allele CA970941866.